The following is an entry in ClinVar:

NM_000089.4(COL1A2):c.1557+1G>T

Gene: COL1A2 (collagen type I alpha 2 chain; plus strand). Cytogenetic location: 7q21.3.
Variant type: single nucleotide variant.
Coding change: c.1557+1G>T on transcript NM_000089.4 (MANE Select); the canonical splice donor site of the intron after coding-DNA position 1557, G replaced by T.
Molecular consequence: splice donor variant.
Genome position (GRCh38, 1-based): chr7:94,413,137, G>T. VCF-style: chr7-94413137-G-T. GRCh37 (hg19) VCF-style: chr7-94042449-G-T.
Identifiers: ClinVar variation 5002019 (VCV005002019.1).
Genomic context (GRCh38, chr7:94,413,137, plus strand): 5'-CTCTAGGGTGATCCTGGCAAAAACGGTGATAAAGGTCATGCTGGTCTTGCTGGTGCTCGG[G>T]TAGGTGCTAACTTGTGTACAGATCTATTCACATAGCATTCATCTAAGAACCACACTTTTT-3'

ClinVar aggregate classification (germline): Likely pathogenic (1 of 4 stars; one submission).

Conditions:
COL1A2-related disorder. Also called: COL1A2-related condition; COL1A2-Related Disorders.

Submission:

PreventionGenetics, part of Exact Sciences
Classification: Likely pathogenic for COL1A2-related condition. Last evaluated: 2025-05-16. Review status: criteria provided, single submitter. Criteria: ACMG Guidelines, 2015. Collection method: clinical testing. Allele origin: germline.
Comment: The COL1A2 c.1557+1G>T variant is predicted to disrupt the GT donor site and interfere with normal splicing. To our knowledge, this variant has not been reported in the literature or in a large population database (gnomAD), indicating this variant is rare. Variants that disrupt the consensus splice donor site in COL1A2 are expected to be pathogenic. This variant is interpreted as likely pathogenic.